The following is an entry in ClinVar:

ClinVar aggregate classification (germline): Benign (0 of 4 stars; one submission).

Conditions:
INDIAN BLOOD GROUP SYSTEM POLYMORPHISM.

gnomAD v4.1: 2 of 1,614,170 alleles (0.00012%); highest among the groups gnomAD compares: East Asian, 0.0022%; no homozygotes.

Submission:

OMIM
Classification: Benign for INDIAN BLOOD GROUP SYSTEM POLYMORPHISM. Last evaluated: 1994-01-15. Review status: no assertion criteria provided. Collection method: literature only. Allele origin: germline.

Literature cited by the submitters: Telen, M. J. Personal Communication. 1992. Durham, N. C.; PubMed 7508860; PubMed 30283273.

NM_000610.4(CD44):c.137G>A (p.Arg46Gln)

Gene: CD44 (CD44 molecule (Indian blood group); plus strand). Cytogenetic location: 11p13.
Variant type: single nucleotide variant.
Coding change: c.137G>A on transcript NM_000610.4 (MANE Select); coding-DNA position 137, G replaced by A.
Protein change: p.Arg46Gln; replaces arginine 46 with glutamine.
Molecular consequence: missense variant.
Genome position (GRCh38, 1-based): chr11:35,176,644, G>A. VCF-style: chr11-35176644-G-A. GRCh37 (hg19) VCF-style: chr11-35198191-G-A.
Other names: In(b-); R46P; c.137G>A, p.Arg46Gln (NM_001001392.2, NM_001202555.2, NM_001202556.2 and 4 more transcripts); short protein forms R46Q.
Identifiers: ClinVar variation 599021 (VCV000599021.2), dbSNP rs369473842, ClinGen allele CA5946298.